The following is an entry in ClinVar:

ClinVar aggregate classification (germline): Pathogenic (1 of 4 stars; one submission).

Conditions:
Inborn genetic diseases. Identifiers: MedGen C0950123, MeSH D030342.

Submission:

Ambry Genetics
Classification: Pathogenic for Inborn genetic diseases. Last evaluated: 2026-04-03. Review status: criteria provided, single submitter. Criteria: Ambry Variant Classification Scheme 2023. Collection method: clinical testing. Allele origin: germline.
Comment: The c.116delT pathogenic mutation, located in coding exon 2 of the DDX41 gene, results from a deletion of one nucleotide at nucleotide position 116, causing a translational frameshift with a predicted alternate stop codon (p.L39Yfs*41). This variant is considered to be rare based on population cohorts in the Genome Aggregation Database (gnomAD). This alteration is expected to result in loss of function by premature protein truncation or nonsense-mediated mRNA decay. As such, this alteration is interpreted as a disease-causing mutation.

NM_016222.4(DDX41):c.116del (p.Leu39fs)

Gene: DDX41 (DEAD-box helicase 41; minus strand). Cytogenetic location: 5q35.3.
Variant type: Deletion.
Coding change: c.116del on transcript NM_016222.4 (MANE Select); coding-DNA position 116, one base deleted (T; older notation c.116delT).
Protein change: p.Leu39fs; shifts the reading frame from leucine 39.
Molecular consequence: frameshift variant. On other transcripts: 5 prime UTR variant (2).
Genome position (GRCh38, 1-based): chr5:177,516,747, A deleted on the plus strand (T on the coding strand, the reverse complement: DDX41 is on the minus strand); the first of 2 consecutive A bases (chr5:177,516,747-177,516,748); deleting either gives the same sequence. VCF-style (leftmost placement, unchanged base first): chr5-177516746-TA-T. GRCh37 (hg19) VCF-style: chr5-176943747-TA-T.
Other names: c.-540del (NM_001321732.2); c.-332del (NM_001321830.2); short protein forms L39fs.
Identifiers: ClinVar variation 4869636 (VCV004869636.1).